The following continues an entry in ClinVar:

NM_000492.4(CFTR):c.1516ATC[1] (p.Ile507del)

ClinVar aggregate classification (germline): Pathogenic. Pathogenic (1).

Submission 34 of 34:

Joint Genome Diagnostic Labs from Nijmegen and Maastricht, Radboudumc and MUMC+
Classification: Pathogenic. Review status: no assertion criteria provided. Collection method: clinical testing. Allele origin: germline. Affected: yes. Study: VKGL Data-share Consensus. Not counted in ClinVar's aggregate classification.

Literature cited by the submitters: PMC 3110945 (cited by American College of Medical Genetics and Genomics  (ACMG)); PubMed 15371902 (cited by 3 submitters); PubMed 23974870 (cited by 7 submitters); PubMed 2236053 (cited by 6 submitters); PubMed 23687349 (cited by Natera, Inc.); PubMed 22035343 (cited by Natera, Inc.); PubMed 28811149 (cited by Natera, Inc.); PubMed 21147553 (cited by Dasa); PubMed 7562977 (cited by Dasa and Quest Diagnostics Nichols Institute San Juan Capistrano); PubMed 8092189 (cited by 3 submitters); PubMed 12000363 (cited by Dasa and Quest Diagnostics Nichols Institute San Juan Capistrano); PubMed 36759923 (cited by 3 submitters); PubMed 24440181 (cited by Dasa and Quest Diagnostics Nichols Institute San Juan Capistrano); PubMed 12767731 (cited by 4 submitters); PubMed 11484207 (cited by Quest Diagnostics Nichols Institute San Juan Capistrano); PubMed 1723032 (cited by Quest Diagnostics Nichols Institute San Juan Capistrano); PubMed 18456578 (cited by Quest Diagnostics Nichols Institute San Juan Capistrano); PubMed 25797027 (cited by Quest Diagnostics Nichols Institute San Juan Capistrano); PubMed 29261177 (cited by Quest Diagnostics Nichols Institute San Juan Capistrano); PubMed 31036917 (cited by Quest Diagnostics Nichols Institute San Juan Capistrano); PubMed 31589614 (cited by Quest Diagnostics Nichols Institute San Juan Capistrano); PubMed 36102402 (cited by Quest Diagnostics Nichols Institute San Juan Capistrano); PubMed 36832409 (cited by Quest Diagnostics Nichols Institute San Juan Capistrano); PubMed 37313453 (cited by Quest Diagnostics Nichols Institute San Juan Capistrano); PubMed 34782259 (cited by Quest Diagnostics Nichols Institute San Juan Capistrano); PubMed 20301428 (cited by Quest Diagnostics Nichols Institute San Juan Capistrano and GeneReviews); PubMed 8707306 (cited by Quest Diagnostics Nichols Institute San Juan Capistrano and Women's Health and Genetics/Laboratory Corporation of America, LabCorp); PubMed 17015492 (cited by Quest Diagnostics Nichols Institute San Juan Capistrano and Women's Health and Genetics/Laboratory Corporation of America, LabCorp); PubMed 22658665 (cited by Quest Diagnostics Nichols Institute San Juan Capistrano); PubMed 22975760 (cited by Quest Diagnostics Nichols Institute San Juan Capistrano); PubMed 9272738 (cited by Quest Diagnostics Nichols Institute San Juan Capistrano); PubMed 10367278 (cited by Quest Diagnostics Nichols Institute San Juan Capistrano); PubMed 1283148 (cited by Quest Diagnostics Nichols Institute San Juan Capistrano and Women's Health and Genetics/Laboratory Corporation of America, LabCorp); PubMed 1376016 (cited by Quest Diagnostics Nichols Institute San Juan Capistrano and Women's Health and Genetics/Laboratory Corporation of America, LabCorp); PubMed 1483707 (cited by Quest Diagnostics Nichols Institute San Juan Capistrano); PubMed 16051530 (cited by Quest Diagnostics Nichols Institute San Juan Capistrano); PubMed 1999830 (cited by Quest Diagnostics Nichols Institute San Juan Capistrano); PubMed 21228398 (cited by Quest Diagnostics Nichols Institute San Juan Capistrano); PubMed 7540133 (cited by Quest Diagnostics Nichols Institute San Juan Capistrano); PubMed 7599637 (cited by Quest Diagnostics Nichols Institute San Juan Capistrano); PubMed 7689896 (cited by Quest Diagnostics Nichols Institute San Juan Capistrano); PubMed 8528672 (cited by Quest Diagnostics Nichols Institute San Juan Capistrano); PubMed 8565216 (cited by Quest Diagnostics Nichols Institute San Juan Capistrano); PubMed 8698344 (cited by Quest Diagnostics Nichols Institute San Juan Capistrano and Women's Health and Genetics/Laboratory Corporation of America, LabCorp); PubMed 8710774 (cited by Quest Diagnostics Nichols Institute San Juan Capistrano); PubMed 9259197 (cited by Quest Diagnostics Nichols Institute San Juan Capistrano); PubMed 11781704 (cited by Women's Health and Genetics/Laboratory Corporation of America, LabCorp); PubMed 11168024 (cited by Women's Health and Genetics/Laboratory Corporation of America, LabCorp); PubMed 7506096 (cited by Women's Health and Genetics/Laboratory Corporation of America, LabCorp); PubMed 11280952 (cited by Eurofins Ntd Llc (ga)); PubMed 1999342 (cited by UNC Molecular Genetics  Laboratory, University of North Carolina at Chapel Hill and OMIM).